The following is an entry in ClinVar:

ClinVar aggregate classification (germline): Uncertain significance (1 of 4 stars; one submission).

Allele frequency attached by ClinVar (database versions not stated): TOPMed below 0.00001.

Submission:

Labcorp Genetics (formerly Invitae), Labcorp
Classification: Uncertain significance. Last evaluated: 2021-10-03. Review status: criteria provided, single submitter. Criteria: Invitae Variant Classification Sherloc (09022015). Collection method: clinical testing. Allele origin: germline.
Comment: This variant has not been reported in the literature in individuals affected with EDNRB-related conditions. In summary, the available evidence is currently insufficient to determine the role of this variant in disease. Therefore, it has been classified as a Variant of Uncertain Significance. Algorithms developed to predict the effect of missense changes on protein structure and function (SIFT, PolyPhen-2, Align-GVGD) all suggest that this variant is likely to be tolerated. This variant is not present in population databases (ExAC no frequency). This sequence change replaces isoleucine with valine at codon 85 of the EDNRB protein (p.Ile85Val). The isoleucine residue is weakly conserved and there is a small physicochemical difference between isoleucine and valine.

NM_001122659.3(EDNRB):c.253A>G (p.Ile85Val)

Gene: EDNRB (endothelin receptor type B; minus strand). Cytogenetic location: 13q22.3.
Variant type: single nucleotide variant.
Coding change: c.253A>G on transcript NM_001122659.3 (MANE Select); coding-DNA position 253, A replaced by G.
Protein change: p.Ile85Val; replaces isoleucine 85 with valine.
Molecular consequence: missense variant.
Genome position (GRCh38, 1-based): chr13:77,918,321, T>C on the plus strand (A>G on the coding strand, the complement: EDNRB is on the minus strand). VCF-style: chr13-77918321-T-C. GRCh37 (hg19) VCF-style: chr13-78492456-T-C.
Other names: c.253A>G, p.Ile85Val (NM_000115.5, NM_003991.4); c.523A>G, p.Ile175Val (NM_001201397.2); short protein forms I85V, I175V.
Identifiers: ClinVar variation 1382882 (VCV001382882.6), dbSNP rs1879919327, ClinGen allele CA388452733.